The following is an entry in ClinVar:

ClinVar aggregate classification (germline): Uncertain significance (1 of 4 stars; one submission).

Conditions:
Catecholaminergic polymorphic ventricular tachycardia (CVPT). Also called: Catecholamine-induced polymorphic ventricular tachycardia. Identifiers: Orphanet 3286, MedGen C5574922, MONDO:0017990.

gnomAD v4.1: 1 of 1,612,428 alleles (0.000062%); highest among the groups gnomAD compares: African/African-American, 0.0013%; no homozygotes.

Submission:

All of Us Research Program, National Institutes of Health
Classification: Uncertain significance for Catecholaminergic polymorphic ventricular tachycardia. Last evaluated: 2024-06-09. Review status: criteria provided, single submitter. Criteria: ACMG Guidelines, 2015. Collection method: clinical testing. Allele origin: germline. Inheritance: Autosomal dominant inheritance. Observed: 1 variant allele, 1 heterozygote.
Comment: This missense variant replaces lysine with glutamic acid at codon 4685 of the RYR2 protein. Computational prediction suggests that this variant may not impact protein structure and function (internally defined REVEL score threshold <= 0.5, PMID: 27666373). To our knowledge, functional studies have not been reported for this variant. This variant has not been reported in individuals affected with RYR2-related disorders in the literature. This variant has not been identified in the general population by the Genome Aggregation Database (gnomAD). The available evidence is insufficient to determine the role of this variant in disease conclusively. Therefore, this variant is classified as a Variant of Uncertain Significance.

This study involves interpretation of variants in research participants for the purpose of population health screening. Participant phenotype was not available at the time of variant classification. Additional details can be found in publication PMID: 35346344, PMCID: PMC8962531

NM_001035.3(RYR2):c.14053A>G (p.Lys4685Glu)

Gene: RYR2 (ryanodine receptor 2; plus strand). Cytogenetic location: 1q43.
Variant type: single nucleotide variant.
Coding change: c.14053A>G on transcript NM_001035.3 (MANE Select); coding-DNA position 14053, A replaced by G.
Protein change: p.Lys4685Glu; replaces lysine 4685 with glutamic acid.
Molecular consequence: missense variant.
Genome position (GRCh38, 1-based): chr1:237,798,133, A>G. VCF-style: chr1-237798133-A-G. GRCh37 (hg19) VCF-style: chr1-237961433-A-G.
Other names: short protein forms K4685E.
Identifiers: ClinVar variation 3385875 (VCV003385875.1).